The following is an entry in ClinVar:

NM_016247.4(IMPG2):c.2094G>A (p.Ala698=)

Gene: IMPG2 (interphotoreceptor matrix proteoglycan 2; minus strand). Cytogenetic location: 3q12.3.
Variant type: single nucleotide variant.
Coding change: c.2094G>A on transcript NM_016247.4 (MANE Select); coding-DNA position 2094, G replaced by A.
Protein change: p.Ala698=; no amino-acid change (alanine 698 retained).
Molecular consequence: synonymous variant.
Genome position (GRCh38, 1-based): chr3:101,244,237, C>T on the plus strand (G>A on the coding strand, the complement: IMPG2 is on the minus strand). VCF-style: chr3-101244237-C-T. GRCh37 (hg19) VCF-style: chr3-100963081-C-T.
Other names: c.2094G>A (NM_016247.3).
Identifiers: ClinVar variation 1666774 (VCV001666774.11), dbSNP rs774027495, ClinGen allele CA2519042.

ClinVar aggregate classification (germline): Likely benign. Review status: criteria provided, multiple submitters, no conflicts (2 of 4 stars). 3 submissions from 3 submitters: Likely benign (2). 1 of the submissions does not count toward it. Last evaluated 2025-02-04.

Conditions:
IMPG2-related disorder. Also called: IMPG2-related condition.

Allele frequency attached by ClinVar (database versions not stated): TOPMed 0.00001; gnomAD 0.00002.
gnomAD v4.1: 41 of 1,613,806 alleles (0.0025%); highest among the groups gnomAD compares: Non-Finnish European, 0.0027%; no homozygotes.

Submissions (3):

Labcorp Genetics (formerly Invitae), Labcorp
Classification: Likely benign. Last evaluated: 2025-02-04. Review status: criteria provided, single submitter. Criteria: Invitae Variant Classification Sherloc (09022015). Collection method: clinical testing. Allele origin: germline.

Blueprint Genetics
Classification: Likely benign. Last evaluated: 2024-02-08. Review status: criteria provided, single submitter. Criteria: ACMG Guidelines, 2015. Collection method: clinical testing. Allele origin: germline.

PreventionGenetics, part of Exact Sciences
Classification: Likely benign for IMPG2-related condition. Last evaluated: 2021-04-27. Review status: no assertion criteria provided. Collection method: clinical testing. Allele origin: germline. Not counted in ClinVar's aggregate classification.
Comment: This variant is classified as likely benign based on ACMG/AMP sequence variant interpretation guidelines (Richards et al. 2015 PMID: 25741868, with internal and published modifications).